The following is an entry in ClinVar:

NM_000545.8(HNF1A):c.526+2dup

Gene: HNF1A (HNF1 homeobox A; plus strand). Cytogenetic location: 12q24.31.
Variant type: Duplication.
Coding change: c.526+2dup on transcript NM_000545.8 (MANE Select); the canonical splice donor site of the intron after coding-DNA position 526, one base duplicated (T; older notation c.526+2dupT).
Molecular consequence: splice donor variant.
Genome position (GRCh38, 1-based): chr12:120,989,034, T duplicated. VCF-style (leftmost placement, unchanged base first): chr12-120989033-G-GT. GRCh37 (hg19) VCF-style: chr12-121426836-G-GT.
Other names: NM_000545.6(HNF1A):c.526+2dup; c.526+2dup (NM_001306179.2).
Identifiers: ClinVar variation 447494 (VCV000447494.9), dbSNP rs1555211448, ClinGen allele CA658658176.

ClinVar aggregate classification (germline): Likely pathogenic. Review status: reviewed by expert panel (3 of 4 stars). 4 submissions from 4 submitters: Likely pathogenic (1). 3 of the submissions do not count toward it. Last evaluated 2025-10-28.

Conditions:
Maturity-onset diabetes of the young (MODY). Also called: Maturity onset diabetes mellitus in young. Identifiers: Orphanet 552, MedGen C0342276, MONDO:0018911, HP:0004904.
Monogenic diabetes. Identifiers: Orphanet 183625, MedGen C3888631, MONDO:0015967.

Submissions (4):

ClinGen Monogenic Diabetes Variant Curation Expert Panel
Classification: Likely pathogenic for Monogenic diabetes. Last evaluated: 2025-10-28. Review status: reviewed by expert panel. Criteria: ClinGen Diabetes ACMG Specifications HNF1A V3.1.0. Collection method: curation. Allele origin: germline. Inheritance: Autosomal dominant inheritance.
Comment: The c.526+2dup variant in the HNF1 homeobox A gene, HNF1A, is predicted to remove a canonical splice donor site in intron 2 of NM_000545.8. This variant is absent from gnomAD v2.1.1 (PM2_Supporting). The computational splicing predictor SpliceAI gives a score of 0.48 for donor loss, predicting that the variant disrupts the donor site of intron 2 of HNF1A (PP3). Other variants at this splice donor site, c.526+1G>C, c.526+1G>T, c.526+1G>A, and c.526+2del, have all been classified as pathogenic by the ClinGen Monogenic Diabetes VCEP (PS1_Moderate). This variant was identified in three unrelated individuals with non-autoimmune and non-absolute/near-absolute insulin-deficient diabetes; however, PS4_Moderate cannot be applied because this number is below the ClinGen MDEP threshold (internal lab contributors). In summary, c.526+2dup meets the criteria to be classified as likely pathogenic for monogenic diabetes. ACMG/AMP criteria applied, as specified by the ClinGen MDEP (specification version 3.1.0, approved 10/10/2025): PS1_Moderate, PM2_Supporting, PP4_Moderate, PP3.

Labcorp Genetics (formerly Invitae), Labcorp
Classification: Uncertain significance. Last evaluated: 2023-09-14. Review status: criteria provided, single submitter. Criteria: Invitae Variant Classification Sherloc (09022015). Collection method: clinical testing. Allele origin: germline. Not counted in ClinVar's aggregate classification.
Comment: In summary, the available evidence is currently insufficient to determine the role of this variant in disease. Therefore, it has been classified as a Variant of Uncertain Significance. ClinVar contains an entry for this variant (Variation ID: 447494). Variants that disrupt the consensus splice site are a relatively common cause of aberrant splicing (PMID: 17576681, 9536098). Algorithms developed to predict the effect of sequence changes on RNA splicing suggest that this variant may disrupt the consensus splice site. This sequence change falls in intron 2 of the HNF1A gene. It does not directly change the encoded amino acid sequence of the HNF1A protein. It affects a nucleotide within the consensus splice site. This variant is not present in population databases (gnomAD no frequency). This variant has not been reported in the literature in individuals affected with HNF1A-related conditions.

Athena Diagnostics
Classification: Uncertain significance. Last evaluated: 2017-07-05. Review status: criteria provided, single submitter. Criteria: Athena Diagnostics Criteria. Collection method: clinical testing. Allele origin: germline. Not counted in ClinVar's aggregate classification.

Clinical Genomics, Uppaluri K&H Personalized Medicine Clinic
Classification: Uncertain significance for Maturity-onset diabetes of the young. Review status: criteria provided, single submitter. Criteria: K & H Uppaluri Personalized Medicine Clinic Variant Classification & Assertion Criteria_Updated V.1. Collection method: research. Allele origin: unknown. Inheritance: Autosomal dominant inheritance. Not counted in ClinVar's aggregate classification.
Comment: Mutations in HNF1A gene can predispose to MODY3. It is associated with both micro and macrovascular complications of diabetes, especially cardiovascular complications. Associated with glucosuria. May respond well to sulfonylureas. However, more evidence is required to confer the association of this particular variant rs1555211448 with MODY3.

Literature cited by the submitters: PubMed 17576681 (cited by Labcorp Genetics (formerly Invitae), Labcorp); PubMed 9536098 (cited by Labcorp Genetics (formerly Invitae), Labcorp); PubMed 31517624 (cited by Clinical Genomics, Uppaluri K&H Personalized Medicine Clinic); PubMed 35328643 (cited by Clinical Genomics, Uppaluri K&H Personalized Medicine Clinic); PubMed 32395877 (cited by Clinical Genomics, Uppaluri K&H Personalized Medicine Clinic); PubMed 35673428 (cited by Clinical Genomics, Uppaluri K&H Personalized Medicine Clinic).